The following is an entry in ClinVar:

NM_013450.4(BAZ2B):c.1001A>T (p.Glu334Val)

Genes: BAZ2B (bromodomain adjacent to zinc finger domain 2B; minus strand), LOC126806391 (MED14-independent group 3 enhancer GRCh37_chr2:160294250-160295449; plus strand). Cytogenetic location: 2q24.2.
Variant type: single nucleotide variant.
Coding change: c.1001A>T on transcript NM_013450.4 (MANE Select); coding-DNA position 1001, A replaced by T.
Protein change: p.Glu334Val; replaces glutamic acid 334 with valine.
Molecular consequence: missense variant.
Genome position (GRCh38, 1-based): chr2:159,438,595, T>A on the plus strand (A>T on the coding strand, the complement: BAZ2B is on the minus strand). VCF-style: chr2-159438595-T-A. GRCh37 (hg19) VCF-style: chr2-160295106-T-A.
Other names: c.995A>T, p.Glu332Val (NM_001289975.1); c.812A>T, p.Glu271Val (NM_001329857.2); c.1001A>T, p.Glu334Val (NM_001329858.2); short protein forms E271V, E332V, E334V.
Identifiers: ClinVar variation 2631010 (VCV002631010.2), dbSNP rs2546933588, ClinGen allele CA348944371.

ClinVar aggregate classification (germline): Uncertain significance (1 of 4 stars; one submission).

Conditions:
BAZ2B-related disorder. Also called: BAZ2B-related condition.

Submission:

PreventionGenetics, part of Exact Sciences
Classification: Uncertain significance for BAZ2B-related condition. Last evaluated: 2026-07-14. Review status: criteria provided, single submitter. Criteria: ACMG Guidelines, 2015. Collection method: clinical testing. Allele origin: germline.
Comment: The BAZ2B c.995A>T variant is predicted to result in the amino acid substitution p.Glu332Val. To our knowledge, this variant has not been reported in the literature or in a large population database, indicating this variant is rare. At this time, the clinical significance of this variant is uncertain due to the absence of conclusive functional and genetic evidence.